The following is an entry in ClinVar:

ClinVar aggregate classification (germline): Uncertain significance (1 of 4 stars; one submission).

Allele frequency attached by ClinVar (database versions not stated): gnomAD exomes 0.00001.
gnomAD v4.1: 12 of 1,614,122 alleles (0.00074%); highest among the groups gnomAD compares: Admixed American, 0.005%; no homozygotes.

Submission:

Labcorp Genetics (formerly Invitae), Labcorp
Classification: Uncertain significance. Last evaluated: 2025-11-04. Review status: criteria provided, single submitter. Criteria: Invitae Variant Classification Sherloc (09022015). Collection method: clinical testing. Allele origin: germline.
Comment: This sequence change replaces serine, which is neutral and polar, with proline, which is neutral and non-polar, at codon 356 of the HPS5 protein (p.Ser356Pro). This variant is present in population databases (no rsID available, gnomAD 0.006%). This variant has not been reported in the literature in individuals affected with HPS5-related conditions. ClinVar contains an entry for this variant (Variation ID: 1015092). An algorithm developed to predict the effect of missense changes on protein structure and function (PolyPhen-2) suggests that this variant is likely to be tolerated. In summary, the available evidence is currently insufficient to determine the role of this variant in disease. Therefore, it has been classified as a Variant of Uncertain Significance.

NM_181507.2(HPS5):c.1066T>C (p.Ser356Pro)

Gene: HPS5 (HPS5 biogenesis of lysosomal organelles complex 2 subunit 2; minus strand). Cytogenetic location: 11p15.1.
Variant type: single nucleotide variant.
Coding change: c.1066T>C on transcript NM_181507.2 (MANE Select); coding-DNA position 1066, T replaced by C.
Protein change: p.Ser356Pro; replaces serine 356 with proline.
Molecular consequence: missense variant.
Genome position (GRCh38, 1-based): chr11:18,298,890, A>G on the plus strand (T>C on the coding strand, the complement: HPS5 is on the minus strand). VCF-style: chr11-18298890-A-G. GRCh37 (hg19) VCF-style: chr11-18320437-A-G.
Other names: c.724T>C, p.Ser242Pro (NM_007216.4, NM_181508.2); short protein forms S242P, S356P.
Identifiers: ClinVar variation 1015092 (VCV001015092.8), dbSNP rs897026690, ClinGen allele CA218543851.